The following is an entry in ClinVar:

NM_032620.4(GTPBP3):c.665-4A>G

Gene: GTPBP3 (GTP binding protein 3, mitochondrial; plus strand). Cytogenetic location: 19p13.11.
Variant type: single nucleotide variant.
Coding change: c.665-4A>G on transcript NM_032620.4 (MANE Select); 4 bases into the intron before coding-DNA position 665, A replaced by G.
Molecular consequence: intron variant. On other transcripts: missense variant (1).
Genome position (GRCh38, 1-based): chr19:17,339,119, A>G. VCF-style: chr19-17339119-A-G. GRCh37 (hg19) VCF-style: chr19-17449928-A-G.
Other names: c.757A>G, p.Thr253Ala (NM_133644.4); c.731-4A>G (NM_001195422.1); c.665-4A>G (NM_001128855.3); short protein forms T253A.
Identifiers: ClinVar variation 1479964 (VCV001479964.6), dbSNP rs200476908, ClinGen allele CA9293455.

ClinVar aggregate classification (germline): Uncertain significance (1 of 4 stars; one submission).

Allele frequency attached by ClinVar (database versions not stated): gnomAD exomes 0.00003 and 0.00008; gnomAD 0.00004 and 0.00005; ExAC 0.00009; TOPMed 0.00010; 1000 Genomes Project 30x 0.00031; 1000 Genomes Project 0.00040.

Submission:

Labcorp Genetics (formerly Invitae), Labcorp
Classification: Uncertain significance. Last evaluated: 2023-10-03. Review status: criteria provided, single submitter. Criteria: Invitae Variant Classification Sherloc (09022015). Collection method: clinical testing. Allele origin: germline.
Comment: This sequence change replaces threonine, which is neutral and polar, with alanine, which is neutral and non-polar, at codon 253 of the GTPBP3 protein (p.Thr253Ala). This variant is present in population databases (rs200476908, gnomAD 0.09%). This variant has not been reported in the literature in individuals affected with GTPBP3-related conditions. ClinVar contains an entry for this variant (Variation ID: 1479964). An algorithm developed to predict the effect of missense changes on protein structure and function (PolyPhen-2) suggests that this variant¬†is likely to be tolerated. In summary, the available evidence is currently insufficient to determine the role of this variant in disease. Therefore, it has been classified as a Variant of Uncertain Significance.